The following is an entry in ClinVar:

NM_000440.3(PDE6A):c.1915C>G (p.Leu639Val)

Gene: PDE6A (phosphodiesterase 6A; minus strand). Cytogenetic location: 5q32.
Variant type: single nucleotide variant.
Coding change: c.1915C>G on transcript NM_000440.3 (MANE Select); coding-DNA position 1915, C replaced by G.
Protein change: p.Leu639Val; replaces leucine 639 with valine.
Molecular consequence: missense variant.
Genome position (GRCh38, 1-based): chr5:149,884,791, G>C on the plus strand (C>G on the coding strand, the complement: PDE6A is on the minus strand). VCF-style: chr5-149884791-G-C. GRCh37 (hg19) VCF-style: chr5-149264354-G-C.
Other names: short protein forms L639V.
Identifiers: ClinVar variation 1060512 (VCV001060512.9), dbSNP rs1484680858, ClinGen allele CA361693457.

ClinVar aggregate classification (germline): Uncertain significance (1 of 4 stars; one submission).

Allele frequency attached by ClinVar (database versions not stated): gnomAD 0.00001; TOPMed 0.00002.

Submission:

Labcorp Genetics (formerly Invitae), Labcorp
Classification: Uncertain significance. Last evaluated: 2024-12-02. Review status: criteria provided, single submitter. Criteria: Invitae Variant Classification Sherloc (09022015). Collection method: clinical testing. Allele origin: germline.
Comment: This sequence change replaces leucine, which is neutral and non-polar, with valine, which is neutral and non-polar, at codon 639 of the PDE6A protein (p.Leu639Val). This variant is not present in population databases (gnomAD no frequency). This variant has not been reported in the literature in individuals affected with PDE6A-related conditions. ClinVar contains an entry for this variant (Variation ID: 1060512). Invitae Evidence Modeling of protein sequence and biophysical properties (such as structural, functional, and spatial information, amino acid conservation, physicochemical variation, residue mobility, and thermodynamic stability) has been performed for this missense variant. However, the output from this modeling did not meet the statistical confidence thresholds required to predict the impact of this variant on PDE6A protein function. In summary, the available evidence is currently insufficient to determine the role of this variant in disease. Therefore, it has been classified as a Variant of Uncertain Significance.